The following is an entry in ClinVar:

NM_018341.3(ERMARD):c.2025A>C (p.Lys675Asn)

Gene: ERMARD (ER membrane associated RNA degradation; plus strand). Cytogenetic location: 6q27.
Variant type: single nucleotide variant.
Coding change: c.2025A>C on transcript NM_018341.3 (MANE Select); coding-DNA position 2025, A replaced by C.
Protein change: p.Lys675Asn; replaces lysine 675 with asparagine.
Molecular consequence: missense variant.
Genome position (GRCh38, 1-based): chr6:169,781,501, A>C. VCF-style: chr6-169781501-A-C. GRCh37 (hg19) VCF-style: chr6-170181597-A-C.
Other names: c.1884A>C, p.Lys628Asn (NM_001278531.2); c.1647A>C, p.Lys549Asn (NM_001278532.2); c.1806A>C, p.Lys602Asn (NM_001278533.2); c.1617A>C, p.Lys539Asn (NM_001410957.1); short protein forms K549N, K675N, K539N, K602N, K628N.
Identifiers: ClinVar variation 4782263 (VCV004782263.1).

ClinVar aggregate classification (germline): Uncertain significance (1 of 4 stars; one submission).

gnomAD v4.1: 4 of 1,594,692 alleles (0.00025%); highest among the groups gnomAD compares: Non-Finnish European, 0.00034%; no homozygotes.

Submission:

Labcorp Genetics (formerly Invitae), Labcorp
Classification: Uncertain significance. Last evaluated: 2025-09-25. Review status: criteria provided, single submitter. Criteria: Invitae Variant Classification Sherloc (09022015). Collection method: clinical testing. Allele origin: germline.
Comment: This sequence change replaces lysine, which is basic and polar, with asparagine, which is neutral and polar, at codon 675 of the ERMARD protein (p.Lys675Asn). This variant is not present in population databases (gnomAD no frequency). This variant has not been reported in the literature in individuals affected with ERMARD-related conditions. An algorithm developed to predict the effect of missense changes on protein structure and function (PolyPhen-2) suggests that this variant is likely to be tolerated. In summary, the available evidence is currently insufficient to determine the role of this variant in disease. Therefore, it has been classified as a Variant of Uncertain Significance.